The following is an entry in ClinVar:

NM_004100.5(EYA4):c.*1905T>A

Genes: EYA4 (EYA transcriptional coactivator and phosphatase 4; plus strand), TARID (TCF21 antisense RNA inducing promoter demethylation; minus strand). Cytogenetic location: 6q23.2.
Variant type: single nucleotide variant.
Coding change: c.*1905T>A on transcript NM_004100.5 (MANE Select); 1905 bases downstream of the stop codon, T replaced by A.
Molecular consequence: 3 prime UTR variant.
Genome position (GRCh38, 1-based): chr6:133,530,710, T>A. VCF-style: chr6-133530710-T-A. GRCh37 (hg19) VCF-style: chr6-133851848-T-A.
Other names: c.*1905T>A (NM_001301012.2, NM_001301013.2, NM_001370458.1 and 3 more transcripts).
Identifiers: ClinVar variation 355461 (VCV000355461.5), dbSNP rs542036379, ClinGen allele CA10626013.

ClinVar aggregate classification (germline): Conflicting classifications of pathogenicity. Review status: criteria provided, conflicting classifications (1 of 4 stars). 2 submissions from 1 submitter: Uncertain significance (1); Likely benign (1). Last evaluated 2018-01-12.

Conditions:
Dilated cardiomyopathy 1J (CMD1J). Also called: CARDIOMYOPATHY, DILATED, WITH SENSORINEURAL HEARING LOSS, AUTOSOMAL DOMINANT. Identifiers: Orphanet 217622, MedGen C1854368, MONDO:0011541, OMIM 605362.
Autosomal dominant nonsyndromic hearing loss 10. Identifiers: Orphanet 90635, MedGen C1832476, MONDO:0011031, OMIM 601316.

Allele frequency attached by ClinVar (database versions not stated): 1000 Genomes Project 30x 0.00031; 1000 Genomes Project 0.00040; gnomAD 0.00059 and 0.00060; TOPMed 0.00060; gnomAD exomes 0.00126.
gnomAD v4.1: 1,137 of 985,986 alleles (0.12%); highest among the groups gnomAD compares: Non-Finnish European, 0.13%; 1 homozygote.

Submissions (2):

Illumina Laboratory Services, Illumina
Classification: Uncertain significance for Dilated cardiomyopathy 1J. Last evaluated: 2018-01-12. Review status: criteria provided, single submitter. Criteria: ICSL Variant Classification Criteria 13 December 2019. Collection method: clinical testing. Allele origin: germline.

Illumina Laboratory Services, Illumina
Classification: Likely benign for Autosomal dominant nonsyndromic hearing loss 10. Last evaluated: 2018-01-12. Review status: criteria provided, single submitter. Criteria: ICSL Variant Classification Criteria 13 December 2019. Collection method: clinical testing. Allele origin: germline.
Comment: This variant was observed in the ICSL laboratory as part of a predisposition screen in an ostensibly healthy population. It had not been previously curated by ICSL or reported in the Human Gene Mutation Database (HGMD: prior to June 1st, 2018), and was therefore a candidate for classification through an automated scoring system. Utilizing variant allele frequency, disease prevalence and penetrance estimates, and inheritance mode, an automated score was calculated to assess if this variant is too frequent to cause the disease. Based on the score and internal cut-off values, a variant classified as likely benign is not then subjected to further curation. The score for this variant resulted in a classification of likely benign for this disease.